The following is an entry in ClinVar:

ClinVar aggregate classification (germline): Uncertain significance. Review status: criteria provided, multiple submitters, no conflicts (2 of 4 stars). 2 submissions from 2 submitters: Uncertain significance (2). Last evaluated 2024-06-21.

Conditions:
Neuroblastoma, susceptibility to, 3. Also called: ALK-Related Neuroblastic Tumor Susceptibility. Identifiers: Orphanet 635, MedGen C2751681, MONDO:0013083, OMIM 613014.
Hereditary cancer-predisposing syndrome. Also called: Tumor predisposition; Neoplastic Syndromes, Hereditary; Hereditary Cancer Syndrome; Hereditary neoplastic syndrome. Identifiers: Orphanet 140162, MedGen C0027672, MeSH D009386, MONDO:0015356.

Submissions (2):

Ambry Genetics
Classification: Uncertain significance for Hereditary cancer-predisposing syndrome. Last evaluated: 2024-06-21. Review status: criteria provided, single submitter. Criteria: Ambry Variant Classification Scheme 2023. Collection method: clinical testing. Allele origin: germline.
Comment: The p.A195T variant (also known as c.583G>A), located in coding exon 1 of the ALK gene, results from a G to A substitution at nucleotide position 583. The alanine at codon 195 is replaced by threonine, an amino acid with similar properties. This amino acid position is conserved. In addition, the in silico prediction for this alteration is inconclusive. Based on the available evidence, the clinical significance of this variant remains unclear.

Labcorp Genetics (formerly Invitae), Labcorp
Classification: Uncertain significance for Neuroblastoma, susceptibility to, 3. Last evaluated: 2020-02-28. Review status: criteria provided, single submitter. Criteria: Invitae Variant Classification Sherloc (09022015). Collection method: clinical testing. Allele origin: germline.
Comment: This sequence change replaces alanine with threonine at codon 195 of the ALK protein (p.Ala195Thr). The alanine residue is weakly conserved and there is a small physicochemical difference between alanine and threonine. This variant is not present in population databases (ExAC no frequency). This variant has not been reported in the literature in individuals with ALK-related conditions. Algorithms developed to predict the effect of missense changes on protein structure and function (SIFT, PolyPhen-2, Align-GVGD) all suggest that this variant is likely to be tolerated, but these predictions have not been confirmed by published functional studies and their clinical significance is uncertain. In summary, the available evidence is currently insufficient to determine the role of this variant in disease. Therefore, it has been classified as a Variant of Uncertain Significance.

NM_004304.5(ALK):c.583G>A (p.Ala195Thr)

Gene: ALK (ALK receptor tyrosine kinase; minus strand). Cytogenetic location: 2p23.1.
Variant type: single nucleotide variant.
Coding change: c.583G>A on transcript NM_004304.5 (MANE Select); coding-DNA position 583, G replaced by A.
Protein change: p.Ala195Thr; replaces alanine 195 with threonine.
Molecular consequence: missense variant.
Genome position (GRCh38, 1-based): chr2:29,920,077, C>T on the plus strand (G>A on the coding strand, the complement: ALK is on the minus strand). VCF-style: chr2-29920077-C-T. GRCh37 (hg19) VCF-style: chr2-30142943-C-T.
Other names: c.583G>A (NM_004304.4); short protein forms A195T.
Identifiers: ClinVar variation 1059470 (VCV001059470.10), dbSNP rs138296547, ClinGen allele CA346589748.
Genomic context (GRCh38, chr2:29,920,077, plus strand): 5'-GGCGGGGCTGGGAGGCGCGAATTGCCGCGGACAGCCTTCCCTCTCTGCCCACTTCCGACG[C>T]CTTCTTCTCGGGCATCAGGCGGATCCTCAGTCGCCCTTCGCCTTGGCGAATCCACCAACT-3'
Protein context (NP_004295.2, residues 185-205): LRIRLMPEKK[Ala195Thr]SEVGREGRLS